The following is an entry in ClinVar:

NM_001167.4(XIAP):c.1009G>T (p.Glu337Ter)

Gene: XIAP (X-linked inhibitor of apoptosis; plus strand). Cytogenetic location: Xq25.
Variant type: single nucleotide variant.
Coding change: c.1009G>T on transcript NM_001167.4 (MANE Select); coding-DNA position 1009, G replaced by T.
Protein change: p.Glu337Ter; replaces glutamic acid 337 with a stop codon.
Molecular consequence: nonsense. On other transcripts: non-coding transcript variant (2).
Genome position (GRCh38, 1-based): chrX:123,891,269, G>T. VCF-style: chrX-123891269-G-T. GRCh37 (hg19) VCF-style: chrX-123025119-G-T.
Other names: c.1009G>T, p.Glu337Ter (NM_001204401.2, NM_001378590.1, NM_001378591.1 and 1 more transcripts); short protein forms E337*.
Identifiers: ClinVar variation 2048465 (VCV002048465.5), dbSNP rs2522596336, ClinGen allele CA414125477.
Genomic context (GRCh38, chrX:123,891,269, plus strand): 5'-TACTAAAGTTTAATCTTTTAATTGTTTAGGTGCAAATATCTGTTAGAACAGAAGGGACAA[G>T]AATATATAAACAATATTCATTTAACTCATTCACTTGAGGAGTGTCTGGTAAGTCTCATAT-3'

ClinVar aggregate classification (germline): Pathogenic. Review status: criteria provided, multiple submitters, no conflicts (2 of 4 stars). 2 submissions from 2 submitters: Pathogenic (2). Last evaluated 2023-03-24.

Conditions:
XIAP-related disorder. Also called: XIAP-related condition.
X-linked lymphoproliferative disease due to XIAP deficiency. Also called: XIAP DEFICIENCY; XIAP-Related Lymphoproliferative Disease, X-Linked. Identifiers: Orphanet 2442, Orphanet 538934, MedGen C1845076, MONDO:0010385, OMIM 300635.

Submissions (2):

PreventionGenetics, part of Exact Sciences
Classification: Pathogenic for XIAP-related condition. Last evaluated: 2023-03-24. Review status: criteria provided, single submitter. Criteria: ACMG Guidelines, 2015. Collection method: clinical testing. Allele origin: germline.
Comment: The XIAP c.1009G>T variant is predicted to result in premature protein termination (p.Glu337*). To our knowledge, this variant has not been reported in the literature. This variant has not been reported in a large population database, indicating this variant is rare. Nonsense variants in XIAP are expected to be pathogenic for X-linked lymphoproliferative syndrome (see, for example, Rigaud et al. 2006. PubMed ID: 17080092; Latour et al. 2015. PubMed ID: 25666262). This variant is interpreted as pathogenic.

Labcorp Genetics (formerly Invitae), Labcorp
Classification: Pathogenic for X-linked lymphoproliferative disease due to XIAP deficiency. Last evaluated: 2022-09-28. Review status: criteria provided, single submitter. Criteria: Invitae Variant Classification Sherloc (09022015). Collection method: clinical testing. Allele origin: germline.
Comment: For these reasons, this variant has been classified as Pathogenic. This variant has not been reported in the literature in individuals affected with XIAP-related conditions. This variant is not present in population databases (gnomAD no frequency). This sequence change creates a premature translational stop signal (p.Glu337*) in the XIAP gene. It is expected to result in an absent or disrupted protein product. Loss-of-function variants in XIAP are known to be pathogenic (PMID: 17080092, 21119115, 25666262).

Literature cited by the submitters: PubMed 17080092 (cited by Labcorp Genetics (formerly Invitae), Labcorp); PubMed 21119115 (cited by Labcorp Genetics (formerly Invitae), Labcorp); PubMed 25666262 (cited by Labcorp Genetics (formerly Invitae), Labcorp).